The following is an entry in ClinVar:

NM_014254.3(RXYLT1):c.120G>A (p.Pro40=)

Gene: RXYLT1 (ribitol xylosyltransferase 1; plus strand). Cytogenetic location: 12q14.2.
Variant type: single nucleotide variant.
Coding change: c.120G>A on transcript NM_014254.3 (MANE Select); coding-DNA position 120, G replaced by A.
Protein change: p.Pro40=; no amino-acid change (proline 40 retained).
Molecular consequence: synonymous variant.
Genome position (GRCh38, 1-based): chr12:63,780,080, G>A. VCF-style: chr12-63780080-G-A. GRCh37 (hg19) VCF-style: chr12-64173860-G-A.
Identifiers: ClinVar variation 510271 (VCV000510271.9), dbSNP rs368499199, ClinGen allele CA6665993.
Genomic context (GRCh38, chr12:63,780,080, plus strand): 5'-CCTCTACGCTGCCTACCACGTCTTCTTCGGGCGCCGCCGCCAGGCGCCGGCCGGGTCCCC[G>A]CGGGGCCTCAGGAAGGGGGCGGCCCCCGCGCGGGAGAGACGCGGCCGAGGTAGGACTGGG-3'
Protein context (NP_055069.1, residues 30-50): GRRRQAPAGS[Pro40=]RGLRKGAAPA

ClinVar aggregate classification (germline): Likely benign. Review status: criteria provided, multiple submitters, no conflicts (2 of 4 stars). 2 submissions from 2 submitters: Likely benign (2). Last evaluated 2026-01-19.

Allele frequency attached by ClinVar (database versions not stated): ExAC 0.00002; gnomAD exomes 0.00003; gnomAD 0.00006 and 0.00007; ESP Exome Variant Server 0.00008; TOPMed 0.00009.
gnomAD v4.1: 119 of 1,593,442 alleles (0.0075%); highest among the groups gnomAD compares: Non-Finnish European, 0.0096%; no homozygotes.

Submissions (2):

Labcorp Genetics (formerly Invitae), Labcorp
Classification: Likely benign. Last evaluated: 2026-01-19. Review status: criteria provided, single submitter. Criteria: Invitae Variant Classification Sherloc (09022015). Collection method: clinical testing. Allele origin: germline.

GeneDx
Classification: Likely benign. Last evaluated: 2017-06-16. Review status: criteria provided, single submitter. Criteria: GeneDx Variant Classification (06012015). Collection method: clinical testing. Allele origin: germline. Affected: yes.
Comment: This variant is considered likely benign or benign based on one or more of the following criteria: it is a conservative change, it occurs at a poorly conserved position in the protein, it is predicted to be benign by multiple in silico algorithms, and/or has population frequency not consistent with disease.